The following is an entry in ClinVar:

NM_152393.4(KLHL40):c.595A>G (p.Met199Val)

Gene: KLHL40 (kelch like family member 40; plus strand). Cytogenetic location: 3p22.1.
Variant type: single nucleotide variant.
Coding change: c.595A>G on transcript NM_152393.4 (MANE Select); coding-DNA position 595, A replaced by G.
Protein change: p.Met199Val; replaces methionine 199 with valine.
Molecular consequence: missense variant.
Genome position (GRCh38, 1-based): chr3:42,686,213, A>G. VCF-style: chr3-42686213-A-G. GRCh37 (hg19) VCF-style: chr3-42727705-A-G.
Other names: short protein forms M199V.
Identifiers: ClinVar variation 1005059 (VCV001005059.5), dbSNP rs1697270672, ClinGen allele CA352289989.

ClinVar aggregate classification (germline): Uncertain significance (1 of 4 stars; one submission).

Conditions:
Nemaline myopathy 8 (NEM8). Also called: Nemaline myopathy 8, autosomal recessive. Identifiers: Orphanet 171430, MedGen C3809209, MONDO:0014138, OMIM 615348.

Allele frequency attached by ClinVar (database versions not stated): gnomAD exomes below 0.00001.

Submission:

Labcorp Genetics (formerly Invitae), Labcorp
Classification: Uncertain significance for Nemaline myopathy 8. Last evaluated: 2022-08-23. Review status: criteria provided, single submitter. Criteria: Invitae Variant Classification Sherloc (09022015). Collection method: clinical testing. Allele origin: germline.
Comment: Algorithms developed to predict the effect of sequence changes on RNA splicing suggest that this variant may create or strengthen a splice site. Algorithms developed to predict the effect of missense changes on protein structure and function are either unavailable or do not agree on the potential impact of this missense change (SIFT: "Deleterious"; PolyPhen-2: "Possibly Damaging"; Align-GVGD: "Class C0"). ClinVar contains an entry for this variant (Variation ID: 1005059). This variant has not been reported in the literature in individuals affected with KLHL40-related conditions. This variant is not present in population databases (gnomAD no frequency). This sequence change replaces methionine, which is neutral and non-polar, with valine, which is neutral and non-polar, at codon 199 of the KLHL40 protein (p.Met199Val). In summary, the available evidence is currently insufficient to determine the role of this variant in disease. Therefore, it has been classified as a Variant of Uncertain Significance.